The following is an entry in ClinVar:

NM_001367721.1(CASK):c.2324C>G (p.Thr775Ser)

Gene: CASK (calcium/calmodulin dependent serine protein kinase; minus strand). Cytogenetic location: Xp11.4.
Variant type: single nucleotide variant.
Coding change: c.2324C>G on transcript NM_001367721.1 (MANE Select); coding-DNA position 2324, C replaced by G.
Protein change: p.Thr775Ser; replaces threonine 775 with serine.
Molecular consequence: missense variant.
Genome position (GRCh38, 1-based): chrX:41,531,203, G>C on the plus strand (C>G on the coding strand, the complement: CASK is on the minus strand). VCF-style: chrX-41531203-G-C. GRCh37 (hg19) VCF-style: chrX-41390456-G-C.
Other names: c.2240C>G, p.Thr747Ser (NM_001126054.3); c.2237C>G, p.Thr746Ser (NM_001126055.3); c.2306C>G, p.Thr769Ser (NM_001410745.1); c.2309C>G, p.Thr770Ser (NM_003688.4); short protein forms T746S, T747S, T769S, T770S, T775S.
Identifiers: ClinVar variation 3236435 (VCV003236435.2), dbSNP rs2519688829, ClinGen allele CA412990690.

ClinVar aggregate classification (germline): Uncertain significance (1 of 4 stars; one submission).

Conditions:
FG syndrome 4 (FGS4). Identifiers: MedGen C1845546, MONDO:0010318, OMIM 300422.

Submission:

Neuberg Centre For Genomic Medicine, NCGM
Classification: Uncertain significance for FG syndrome 4. Review status: criteria provided, single submitter. Criteria: ACMG Guidelines, 2015. Collection method: clinical testing. Allele origin: germline. Inheritance: X-linked recessive inheritance. Affected: yes.
Comment: The missense variant c.2324C>G p.Thr775Ser in the CASK gene has not been reported previously as a pathogenic variant nor as a benign variant, to our knowledge. This variant is novel not in any individuals in gnomAD Exomes and 1000 Genomes. The amino acid Threonine at position 775 is changed to a Serine changing protein sequence and it might alter its composition and physico-chemical properties. The variant is predicted as damaging by SIFT. The amino acid change p.Thr775Ser in CASK is predicted as conserved by GERP++ and PhyloP across 100 vertebrates. For these reasons, this variant has been classified as Uncertain Significance.